The following is an entry in ClinVar:

NM_004370.6(COL12A1):c.793C>T (p.Arg265Cys)

Gene: COL12A1 (collagen type XII alpha 1 chain; minus strand). Cytogenetic location: 6q13.
Variant type: single nucleotide variant.
Coding change: c.793C>T on transcript NM_004370.6 (MANE Select); coding-DNA position 793, C replaced by T.
Protein change: p.Arg265Cys; replaces arginine 265 with cysteine.
Molecular consequence: missense variant. On other transcripts: intron variant (1).
Genome position (GRCh38, 1-based): chr6:75,189,247, G>A on the plus strand (C>T on the coding strand, the complement: COL12A1 is on the minus strand). VCF-style: chr6-75189247-G-A. GRCh37 (hg19) VCF-style: chr6-75898963-G-A.
Other names: c.73+13473C>T (NM_080645.3); short protein forms R265C.
Identifiers: ClinVar variation 638444 (VCV000638444.12), dbSNP rs749760185, ClinGen allele CA3894350.

ClinVar aggregate classification (germline): Uncertain significance. Review status: criteria provided, multiple submitters, no conflicts (2 of 4 stars). 3 submissions from 2 submitters: Uncertain significance (3). Last evaluated 2025-12-09.

Conditions:
Ullrich congenital muscular dystrophy. Also called: Ullrich muscular dystrophy; Ullrich Congenital Muscular Dystrophy (UCMD). Identifiers: Orphanet 75840, MedGen C4551860, MONDO:0000355.
Ullrich congenital muscular dystrophy 2 (UCMD2). Identifiers: Orphanet 75840, MedGen C4225314, MONDO:0014654, OMIM 616470.
Bethlem myopathy 2 (BTHLM2). Identifiers: Orphanet 536516, Orphanet 610, MedGen C4225313, MONDO:0034022, OMIM 616471.

Allele frequency attached by ClinVar (database versions not stated): TOPMed below 0.00001; ExAC 0.00001; gnomAD exomes 0.00001 and 0.00002; gnomAD 0.00005.
gnomAD v4.1: 26 of 1,612,692 alleles (0.0016%); highest among the groups gnomAD compares: Admixed American, 0.012%; no homozygotes.

Submissions (3):

Labcorp Genetics (formerly Invitae), Labcorp
Classification: Uncertain significance for Bethlem myopathy 2; Ullrich congenital muscular dystrophy 2. Last evaluated: 2025-12-09. Review status: criteria provided, single submitter. Criteria: Invitae Variant Classification Sherloc (09022015). Collection method: clinical testing. Allele origin: germline.
Comment: This sequence change replaces arginine, which is basic and polar, with cysteine, which is neutral and slightly polar, at codon 265 of the COL12A1 protein (p.Arg265Cys). This variant is present in population databases (rs749760185, gnomAD 0.007%). This variant has not been reported in the literature in individuals affected with COL12A1-related conditions. ClinVar contains an entry for this variant (Variation ID: 638444). Invitae Evidence Modeling of protein sequence and biophysical properties (such as structural, functional, and spatial information, amino acid conservation, physicochemical variation, residue mobility, and thermodynamic stability) indicates that this missense variant is expected to disrupt COL12A1 protein function with a positive predictive value of 80%. In summary, the available evidence is currently insufficient to determine the role of this variant in disease. Therefore, it has been classified as a Variant of Uncertain Significance.

Genomic Research Center, Shahid Beheshti University of Medical Sciences
Classification: Uncertain significance for Bethlem myopathy 2. Last evaluated: 2019-04-27. Review status: criteria provided, single submitter. Criteria: ACMG Guidelines, 2015. Collection method: clinical testing. Allele origin: unknown. Affected: yes.

Genomic Research Center, Shahid Beheshti University of Medical Sciences
Classification: Uncertain significance for Ullrich congenital muscular dystrophy. Last evaluated: 2019-04-27. Review status: criteria provided, single submitter. Criteria: ACMG Guidelines, 2015. Collection method: clinical testing. Allele origin: unknown. Affected: yes.